The following is an entry in ClinVar:

ClinVar aggregate classification (germline): Uncertain significance. Review status: criteria provided, multiple submitters, no conflicts (2 of 4 stars). 2 submissions from 2 submitters: Uncertain significance (2). Last evaluated 2022-12-05.

Conditions:
Inborn genetic diseases. Identifiers: MedGen C0950123, MeSH D030342.
Developmental and epileptic encephalopathy, 1 (DEE1). Also called: INFANTILE SPASM SYNDROME, X-LINKED 1; X-linked infantile spasms; West's syndrome; Tonic spasms with clustering, arrest of psychomotor development and hypsarrhythmia on EEG; X-Linked Infantile Spasm Syndrome; OHTAHARA SYNDROME, X-LINKED. Identifiers: MedGen C3463992, MONDO:0010632, OMIM 308350. Disease mechanism: loss of function.
Autosomal recessive spinocerebellar ataxia 12. Also called: SPINOCEREBELLAR ATAXIA WITH MENTAL RETARDATION AND EPILEPSY. Identifiers: Orphanet 284282, MedGen C3280452, MONDO:0013687, OMIM 614322.

Allele frequency attached by ClinVar (database versions not stated): ExAC 0.00004; TOPMed 0.00001.
gnomAD v4.1: 33 of 1,557,606 alleles (0.0021%); highest among the groups gnomAD compares: Non-Finnish European, 0.0029%; no homozygotes.

Submissions (2):

Ambry Genetics
Classification: Uncertain significance for Inborn genetic diseases. Last evaluated: 2022-12-05. Review status: criteria provided, single submitter. Criteria: Ambry Variant Classification Scheme 2023. Collection method: clinical testing. Allele origin: germline.

Labcorp Genetics (formerly Invitae), Labcorp
Classification: Uncertain significance for Developmental and epileptic encephalopathy, 1; Autosomal recessive spinocerebellar ataxia 12. Last evaluated: 2021-10-21. Review status: criteria provided, single submitter. Criteria: Invitae Variant Classification Sherloc (09022015). Collection method: clinical testing. Allele origin: germline.
Comment: This sequence change replaces leucine, which is neutral and non-polar, with valine, which is neutral and non-polar, at codon 4 of the WWOX protein (p.Leu4Val). This variant is present in population databases (rs751733610, gnomAD 0.001%). This variant has not been reported in the literature in individuals affected with WWOX-related conditions. Algorithms developed to predict the effect of missense changes on protein structure and function are either unavailable or do not agree on the potential impact of this missense change (SIFT: "Not Available"; PolyPhen-2: "Probably Damaging"; Align-GVGD: "Not Available"). Algorithms developed to predict the effect of sequence changes on RNA splicing suggest that this variant may create or strengthen a splice site. In summary, the available evidence is currently insufficient to determine the role of this variant in disease. Therefore, it has been classified as a Variant of Uncertain Significance.

NM_016373.4(WWOX):c.10C>G (p.Leu4Val)

Gene: WWOX (WW domain containing oxidoreductase; plus strand). Cytogenetic location: 16q23.1.
Variant type: single nucleotide variant.
Coding change: c.10C>G on transcript NM_016373.4 (MANE Select); coding-DNA position 10, C replaced by G.
Protein change: p.Leu4Val; replaces leucine 4 with valine.
Molecular consequence: missense variant. On other transcripts: 5 prime UTR variant (1), non-coding transcript variant (2).
Genome position (GRCh38, 1-based): chr16:78,099,788, C>G. VCF-style: chr16-78099788-C-G. GRCh37 (hg19) VCF-style: chr16-78133685-C-G.
Other names: c.-265C>G (NM_001291997.2); c.10C>G, p.Leu4Val (NM_130791.5); c.10C>G (NM_016373.2); short protein forms L4V.
Identifiers: ClinVar variation 1442761 (VCV001442761.4), dbSNP rs751733610, ClinGen allele CA8182975.